The following is an entry in ClinVar:

NM_000059.4(BRCA2):c.3476G>T (p.Cys1159Phe)

Gene: BRCA2 (BRCA2 DNA repair associated; plus strand). Cytogenetic location: 13q13.1.
Variant type: single nucleotide variant.
Coding change: c.3476G>T on transcript NM_000059.4 (MANE Select); coding-DNA position 3476, G replaced by T.
Protein change: p.Cys1159Phe; replaces cysteine 1159 with phenylalanine.
Molecular consequence: missense variant.
Genome position (GRCh38, 1-based): chr13:32,337,831, G>T. VCF-style: chr13-32337831-G-T. GRCh37 (hg19) VCF-style: chr13-32911968-G-T.
Other names: c.3476G>T, p.Cys1159Phe (NM_001406719.1, NM_001406720.1); short protein forms C1159F.
Identifiers: ClinVar variation 1731790 (VCV001731790.4), dbSNP rs2137496967, ClinGen allele CA387776831.
Genomic context (GRCh38, chr13:32,337,831, plus strand): 5'-AGAGTACATTTGAAGTGCCTGAAAACCAGATGACTATCTTAAAGACCACTTCTGAGGAAT[G>T]CAGAGATGCTGATCTTCATGTCATAATGAATGCCCCATCGATTGGTCAGGTAGACAGCAG-3'
Protein context (NP_000050.3, residues 1149-1169): MTILKTTSEE[Cys1159Phe]RDADLHVIMN

ClinVar aggregate classification (germline): Conflicting classifications of pathogenicity. Review status: criteria provided, conflicting classifications (1 of 4 stars). 2 submissions from 2 submitters: Uncertain significance (1); Likely benign (1). Last evaluated 2023-03-23.

Conditions:
Hereditary cancer-predisposing syndrome. Also called: Neoplastic Syndromes, Hereditary; Tumor predisposition; Hereditary Cancer Syndrome; Hereditary neoplastic syndrome. Identifiers: Orphanet 140162, MedGen C0027672, MeSH D009386, MONDO:0015356.

Submissions (2):

University of Washington Department of Laboratory Medicine, University of Washington
Classification: Likely benign for Hereditary cancer-predisposing syndrome. Last evaluated: 2023-03-23. Review status: criteria provided, single submitter. Criteria: Dines et al. (Genet Med. 2020). Collection method: curation. Allele origin: germline.
Comment: Missense variant in a coldspot region where missense variants are very unlikely to be pathogenic (PMID:31911673).

BRCA2 exon 11 coldspot. Reclassification based on statistical prior probability.

Ambry Genetics
Classification: Uncertain significance for Hereditary cancer-predisposing syndrome. Last evaluated: 2021-09-21. Review status: criteria provided, single submitter. Criteria: Ambry Variant Classification Scheme 2023. Collection method: clinical testing. Allele origin: germline.
Comment: The p.C1159F variant (also known as c.3476G>T), located in coding exon 10 of the BRCA2 gene, results from a G to T substitution at nucleotide position 3476. The cysteine at codon 1159 is replaced by phenylalanine, an amino acid with highly dissimilar properties. This amino acid position is poorly conserved in available vertebrate species. In addition, this alteration is predicted to be tolerated by in silico analysis. Since supporting evidence is limited at this time, the clinical significance of this alteration remains unclear.